The following is an entry in ClinVar:

ClinVar aggregate classification (germline): Pathogenic (1 of 4 stars; one submission).

Conditions:
Familial adenomatous polyposis 1 (FAP1). Also called: FAMILIAL ADENOMATOUS POLYPOSIS 1, ATTENUATED; POLYPOSIS, ADENOMATOUS INTESTINAL. Identifiers: MedGen C2713442, MONDO:0021056, OMIM 175100. Disease mechanism: loss of function.

Submission:

Myriad Genetics, Inc.
Classification: Pathogenic for Familial adenomatous polyposis 1. Last evaluated: 2023-05-09. Review status: criteria provided, single submitter. Criteria: Myriad Autosomal Dominant, Autosomal Recessive and X-Linked Classification Criteria (2023). Collection method: clinical testing. Allele origin: unknown.
Comment: This variant is considered pathogenic. This variant creates a frameshift predicted to result in premature protein truncation.

NM_000038.6(APC):c.3817del (p.Arg1273fs)

Gene: APC (APC regulator of Wnt signaling pathway; plus strand). Cytogenetic location: 5q22.2.
Variant type: Deletion.
Coding change: c.3817del on transcript NM_000038.6 (MANE Select); coding-DNA position 3817, one base deleted (A; older notation c.3817delA).
Protein change: p.Arg1273fs; shifts the reading frame from arginine 1273.
Molecular consequence: frameshift variant. On other transcripts: non-coding transcript variant (2).
Genome position (GRCh38, 1-based): chr5:112,839,411, A deleted; the last of 2 consecutive A bases (chr5:112,839,410-112,839,411); deleting either gives the same sequence. VCF-style (leftmost placement, unchanged base first): chr5-112839409-CA-C. GRCh37 (hg19) VCF-style: chr5-112175106-CA-C.
Other names: c.3871del, p.Arg1291fs (NM_001354896.2, NM_001407447.1, NM_001407448.1 and 1 more transcripts); c.3847del, p.Arg1283fs (NM_001354897.2); c.3733del, p.Arg1245fs (NM_001354899.2); c.3694del, p.Arg1232fs (NM_001354900.2); c.3544del, p.Arg1182fs (NM_001354902.2); c.3742del, p.Arg1248fs (NM_001354898.2); c.3640del, p.Arg1214fs (NM_001354901.2, NM_001407453.1); c.3817del, p.Arg1273fs (NM_001127510.3, NM_001354895.2, NM_001407450.1); and 11 more; short protein forms R1113fs, R1144fs, R1147fs, R1172fs, R1182fs, R1190fs, R1214fs, R1232fs.
Identifiers: ClinVar variation 2583980 (VCV002583980.2), dbSNP rs2533526747, ClinGen allele CA2582341537.
Genomic context (GRCh38, chr5:112,839,409, plus strand): 5'-CTTCTATTAACCAAGAAACAATACAGACTTATTGTGTAGAAGATACTCCAATATGTTTTT[CA>C]AGATGTAGTTCATTATCATCTTTGTCATCAGCTGAAGATGAAATAGGATGTAATCAGACG-3'